The following is an entry in ClinVar:

NM_000404.4(GLB1):c.376A>G (p.Ile126Val)

Gene: GLB1 (galactosidase beta 1; minus strand). Cytogenetic location: 3p22.3.
Variant type: single nucleotide variant.
Coding change: c.376A>G on transcript NM_000404.4 (MANE Select); coding-DNA position 376, A replaced by G.
Protein change: p.Ile126Val; replaces isoleucine 126 with valine.
Molecular consequence: missense variant. On other transcripts: intron variant (1).
Genome position (GRCh38, 1-based): chr3:33,068,840, T>C on the plus strand (A>G on the coding strand, the complement: GLB1 is on the minus strand). VCF-style: chr3-33068840-T-C. GRCh37 (hg19) VCF-style: chr3-33110332-T-C.
Other names: c.286A>G, p.Ile96Val (NM_001079811.3); c.520A>G, p.Ile174Val (NM_001317040.2); c.376A>G, p.Ile126Val (NM_001393580.1); c.246-3283A>G (NM_001135602.3); short protein forms I126V, I96V, I174V.
Identifiers: ClinVar variation 344794 (VCV000344794.7), dbSNP rs886058343, ClinGen allele CA10615631.

ClinVar aggregate classification (germline): Uncertain significance. Review status: criteria provided, multiple submitters, no conflicts (2 of 4 stars). 3 submissions from 2 submitters: Uncertain significance (3). Last evaluated 2021-08-24.

Conditions:
GM1 gangliosidosis. Identifiers: Orphanet 354, MedGen C0085131, MONDO:0018149.
Mucopolysaccharidosis, MPS-IV-B (MPS4B). Also called: Mucopolysaccharidosis type IV B; Mucopolysaccharidosis Type IVB (Morquio B Disease); Mucopolysaccharidosis type 4B; Mucopolysaccharidosis type IVB (Morquio); MPS IVB; Mucopolysaccharidosis Type IVB. Identifiers: Orphanet 309310, Orphanet 582, MedGen C0086652, MONDO:0009660, OMIM 253010.

Allele frequency attached by ClinVar (database versions not stated): gnomAD exomes below 0.00001.
gnomAD v4.1: 1 of 1,614,040 alleles (0.000062%); highest among the groups gnomAD compares: South Asian, 0.0011%; no homozygotes.

Submissions (3):

Labcorp Genetics (formerly Invitae), Labcorp
Classification: Uncertain significance for Mucopolysaccharidosis, MPS-IV-B; GM1 gangliosidosis. Last evaluated: 2021-08-24. Review status: criteria provided, single submitter. Criteria: Invitae Variant Classification Sherloc (09022015). Collection method: clinical testing. Allele origin: germline.
Comment: This sequence change replaces isoleucine with valine at codon 126 of the GLB1 protein (p.Ile126Val). The isoleucine residue is highly conserved and there is a small physicochemical difference between isoleucine and valine. This variant is not present in population databases (ExAC no frequency). This variant has not been reported in the literature in individuals affected with GLB1-related conditions. ClinVar contains an entry for this variant (Variation ID: 344794). Algorithms developed to predict the effect of missense changes on protein structure and function are either unavailable or do not agree on the potential impact of this missense change (SIFT: "Deleterious"; PolyPhen-2: "Benign"; Align-GVGD: "Class C25"). In summary, the available evidence is currently insufficient to determine the role of this variant in disease. Therefore, it has been classified as a Variant of Uncertain Significance.

Illumina Laboratory Services, Illumina
Classification: Uncertain significance for GM1 gangliosidosis. Last evaluated: 2018-01-13. Review status: criteria provided, single submitter. Criteria: ICSL Variant Classification Criteria 13 December 2019. Collection method: clinical testing. Allele origin: germline.

Illumina Laboratory Services, Illumina
Classification: Uncertain significance for Mucopolysaccharidosis, MPS-IV-B. Last evaluated: 2018-01-13. Review status: criteria provided, single submitter. Criteria: ICSL Variant Classification Criteria 13 December 2019. Collection method: clinical testing. Allele origin: germline.